The following is an entry in ClinVar:

NM_003183.6(ADAM17):c.1544+2T>C

Genes: ADAM17 (ADAM metallopeptidase domain 17; minus strand), IAH1 (isoamyl acetate hydrolyzing esterase 1 (putative); plus strand). Cytogenetic location: 2p25.1.
Variant type: single nucleotide variant.
Coding change: c.1544+2T>C on transcript NM_003183.6 (MANE Select); the canonical splice donor site of the intron after coding-DNA position 1544, T replaced by C.
Molecular consequence: splice donor variant.
Genome position (GRCh38, 1-based): chr2:9,505,164, A>G on the plus strand (T>C on the coding strand, the complement: ADAM17 is on the minus strand). VCF-style: chr2-9505164-A-G. GRCh37 (hg19) VCF-style: chr2-9645293-A-G.
Other names: c.884+2T>C (NM_001382777.1); c.647+2T>C (NM_001382778.1).
Identifiers: ClinVar variation 2101430 (VCV002101430.4), dbSNP rs2531193329, ClinGen allele CA345777032.

ClinVar aggregate classification (germline): Likely pathogenic (1 of 4 stars; one submission).

Conditions:
Inflammatory skin and bowel disease, neonatal, 1. Identifiers: Orphanet 294023, MedGen C3280501, MONDO:0013693, OMIM 614328.

Submission:

Labcorp Genetics (formerly Invitae), Labcorp
Classification: Likely pathogenic for Inflammatory skin and bowel disease, neonatal, 1. Last evaluated: 2024-12-02. Review status: criteria provided, single submitter. Criteria: Invitae Variant Classification Sherloc (09022015). Collection method: clinical testing. Allele origin: germline.
Comment: This sequence change affects a donor splice site in intron 12 of the ADAM17 gene. It is expected to disrupt RNA splicing. Variants that disrupt the donor or acceptor splice site typically lead to a loss of protein function (PMID: 16199547), and loss-of-function variants in ADAM17 are known to be pathogenic (PMID: 22010916, 25804906). This variant is not present in population databases (gnomAD no frequency). This variant has not been reported in the literature in individuals affected with ADAM17-related conditions. ClinVar contains an entry for this variant (Variation ID: 2101430). Algorithms developed to predict the effect of sequence changes on RNA splicing suggest that this variant may disrupt the consensus splice site. In summary, the currently available evidence indicates that the variant is pathogenic, but additional data are needed to prove that conclusively. Therefore, this variant has been classified as Likely Pathogenic.

Literature cited by the submitters: PubMed 16199547; PubMed 22010916; PubMed 25804906.